The following is an entry in ClinVar:

ClinVar aggregate classification (germline): Uncertain significance (1 of 4 stars; one submission).

Allele frequency attached by ClinVar (database versions not stated): gnomAD 0.00001; gnomAD exomes 0.00001 and 0.00003; ExAC 0.00002; 1000 Genomes Project 30x 0.00016; 1000 Genomes Project 0.00020.
gnomAD v4.1: 19 of 1,613,916 alleles (0.0012%); highest among the groups gnomAD compares: South Asian, 0.02%; no homozygotes.

Submission:

Labcorp Genetics (formerly Invitae), Labcorp
Classification: Uncertain significance. Last evaluated: 2020-12-31. Review status: criteria provided, single submitter. Criteria: Invitae Variant Classification Sherloc (09022015). Collection method: clinical testing. Allele origin: germline.
Comment: Algorithms developed to predict the effect of missense changes on protein structure and function are either unavailable or do not agree on the potential impact of this missense change (SIFT: "Deleterious"; PolyPhen-2: "Probably Damaging"; Align-GVGD: "Class C0"). In summary, the available evidence is currently insufficient to determine the role of this variant in disease. Therefore, it has been classified as a Variant of Uncertain Significance. This variant has not been reported in the literature in individuals with LAMC3-related conditions. This variant is present in population databases (rs532088641, ExAC 0.01%). This sequence change replaces leucine with proline at codon 1031 of the LAMC3 protein (p.Leu1031Pro). The leucine residue is moderately conserved and there is a moderate physicochemical difference between leucine and proline.

NM_006059.4(LAMC3):c.3092T>C (p.Leu1031Pro)

Gene: LAMC3 (laminin subunit gamma 3; plus strand). Cytogenetic location: 9q34.12.
Variant type: single nucleotide variant.
Coding change: c.3092T>C on transcript NM_006059.4 (MANE Select); coding-DNA position 3092, T replaced by C.
Protein change: p.Leu1031Pro; replaces leucine 1031 with proline.
Molecular consequence: missense variant.
Genome position (GRCh38, 1-based): chr9:131,071,506, T>C. VCF-style: chr9-131071506-T-C. GRCh37 (hg19) VCF-style: chr9-133946893-T-C.
Other names: short protein forms L1031P.
Identifiers: ClinVar variation 1463529 (VCV001463529.8), dbSNP rs532088641, ClinGen allele CA5287678.